The following is an entry in ClinVar:

ClinVar aggregate classification (germline): Uncertain significance. Review status: criteria provided, multiple submitters, no conflicts (2 of 4 stars). 2 submissions from 2 submitters: Uncertain significance (2). Last evaluated 2025-09-16.

Conditions:
Naxos disease (NXD). Also called: KERATOSIS PALMOPLANTARIS WITH ARRHYTHMOGENIC CARDIOMYOPATHY; MAL DE NAXOS; PALMOPLANTAR KERATODERMA WITH ARRHYTHMOGENIC RIGHT VENTRICULAR CARDIOMYOPATHY AND WOOLLY HAIR; WOOLLY HAIR, PALMOPLANTAR KERATODERMA, AND CARDIAC ABNORMALITIES; CARDIOMYOPATHY, ARRHYTHMOGENIC RIGHT VENTRICULAR, WITH SKIN, HAIR, AND NAIL ABNORMALITIES. Identifiers: Orphanet 34217, MedGen C1832600, MONDO:0011017, OMIM 601214.
Arrhythmogenic right ventricular dysplasia 12. Also called: ARRHYTHMOGENIC RIGHT VENTRICULAR DYSPLASIA, FAMILIAL, 12. Identifiers: MedGen C1969081, MONDO:0012684, OMIM 611528.
Cardiovascular phenotype. Identifiers: MedGen CN230736.

Allele frequency attached by ClinVar (database versions not stated): gnomAD exomes below 0.00001; gnomAD 0.00001.
gnomAD v4.1: 4 of 1,614,248 alleles (0.00025%); highest among the groups gnomAD compares: African/African-American, 0.004%; no homozygotes.

Submissions (2):

Labcorp Genetics (formerly Invitae), Labcorp
Classification: Uncertain significance for Arrhythmogenic right ventricular dysplasia 12; Naxos disease. Last evaluated: 2025-09-16. Review status: criteria provided, single submitter. Criteria: Invitae Variant Classification Sherloc (09022015). Collection method: clinical testing. Allele origin: germline.
Comment: This sequence change replaces leucine, which is neutral and non-polar, with proline, which is neutral and non-polar, at codon 443 of the JUP protein (p.Leu443Pro). This variant is present in population databases (no rsID available, gnomAD 0.007%). This variant has not been reported in the literature in individuals affected with JUP-related conditions. ClinVar contains an entry for this variant (Variation ID: 1770063). An algorithm developed to predict the effect of missense changes on protein structure and function (PolyPhen-2) suggests that this variant is likely to be disruptive. In summary, the available evidence is currently insufficient to determine the role of this variant in disease. Therefore, it has been classified as a Variant of Uncertain Significance.

Ambry Genetics
Classification: Uncertain significance for Cardiovascular phenotype. Last evaluated: 2024-02-05. Review status: criteria provided, single submitter. Criteria: Ambry Variant Classification Scheme 2023. Collection method: clinical testing. Allele origin: germline.
Comment: The p.L443P variant (also known as c.1328T>C), located in coding exon 7 of the JUP gene, results from a T to C substitution at nucleotide position 1328. The leucine at codon 443 is replaced by proline, an amino acid with similar properties. This amino acid position is well conserved in available vertebrate species. In addition, this alteration is predicted to be deleterious by in silico analysis. Since supporting evidence is limited at this time, the clinical significance of this alteration remains unclear.

NM_002230.4(JUP):c.1328T>C (p.Leu443Pro)

Gene: JUP (junction plakoglobin; minus strand). Cytogenetic location: 17q21.2.
Variant type: single nucleotide variant.
Coding change: c.1328T>C on transcript NM_002230.4 (MANE Select); coding-DNA position 1328, T replaced by C.
Protein change: p.Leu443Pro; replaces leucine 443 with proline.
Molecular consequence: missense variant.
Genome position (GRCh38, 1-based): chr17:41,763,152, A>G on the plus strand (T>C on the coding strand, the complement: JUP is on the minus strand). VCF-style: chr17-41763152-A-G. GRCh37 (hg19) VCF-style: chr17-39919404-A-G.
Other names: c.1328T>C, p.Leu443Pro (NM_001352773.2, NM_001352774.2, NM_001352775.2 and 3 more transcripts); short protein forms L443P.
Identifiers: ClinVar variation 1770063 (VCV001770063.4), dbSNP rs1555602212, ClinGen allele CA399497053.